The following is an entry in ClinVar:

ClinVar aggregate classification (germline): Likely benign (0 of 4 stars; one submission).

Conditions:
SEMA3C-related disorder. Also called: SEMA3C-related condition.

Allele frequency attached by ClinVar (database versions not stated): gnomAD exomes 0.00001.
gnomAD v4.1: 11 of 1,602,712 alleles (0.00069%); highest among the groups gnomAD compares: Non-Finnish European, 0.00094%; no homozygotes.

Submission:

PreventionGenetics, part of Exact Sciences
Classification: Likely benign for SEMA3C-related condition. Last evaluated: 2022-05-27. Review status: no assertion criteria provided. Collection method: clinical testing. Allele origin: germline.
Comment: This variant is classified as likely benign based on ACMG/AMP sequence variant interpretation guidelines (Richards et al. 2015 PMID: 25741868, with internal and published modifications).

NM_006379.5(SEMA3C):c.276A>C (p.Pro92=)

Gene: SEMA3C (semaphorin 3C; minus strand). Cytogenetic location: 7q21.11.
Variant type: single nucleotide variant.
Coding change: c.276A>C on transcript NM_006379.5 (MANE Select); coding-DNA position 276, A replaced by C.
Protein change: p.Pro92=; no amino-acid change (proline 92 retained).
Molecular consequence: synonymous variant.
Genome position (GRCh38, 1-based): chr7:80,827,476, T>G on the plus strand (A>C on the coding strand, the complement: SEMA3C is on the minus strand). VCF-style: chr7-80827476-T-G. GRCh37 (hg19) VCF-style: chr7-80456792-T-G.
Other names: c.330A>C, p.Pro110= (NM_001350120.2); c.102A>C, p.Pro34= (NM_001350121.2).
Identifiers: ClinVar variation 3029304 (VCV003029304.2), dbSNP rs2484176949, ClinGen allele CA456127879.